The following is an entry in ClinVar:

NM_001267550.2(TTN):c.53881+5G>T

Genes: TTN-AS1 (TTN antisense RNA 1; plus strand), TTN (titin; minus strand). Cytogenetic location: 2q31.2.
Variant type: single nucleotide variant.
Coding change: c.53881+5G>T on transcript NM_001267550.2 (MANE Select); 5 bases into the intron after coding-DNA position 53881, G replaced by T.
Molecular consequence: intron variant.
Genome position (GRCh38, 1-based): chr2:178,605,409, C>A on the plus strand (G>T on the coding strand, the complement: TTN is on the minus strand). VCF-style: chr2-178605409-C-A. GRCh37 (hg19) VCF-style: chr2-179470136-C-A.
Other names: c.26686+5G>T (NM_003319.4); c.27262+5G>T (NM_133437.4); c.27061+5G>T (NM_133432.3); c.46177+5G>T (NM_133378.4); c.48958+5G>T (NM_001256850.1); c.53881+5G>T (NM_001267550.1).
Identifiers: ClinVar variation 431882 (VCV000431882.13), dbSNP rs753527304, ClinGen allele CA645372702.

ClinVar aggregate classification (germline): Conflicting classifications of pathogenicity. Review status: criteria provided, conflicting classifications (1 of 4 stars). 4 submissions from 4 submitters: Likely pathogenic (1); Uncertain significance (3). Last evaluated 2026-01-12.

Conditions:
Dilated cardiomyopathy 1G (CMD1G). Identifiers: Orphanet 154, MedGen C1858763, MONDO:0011400, OMIM 604145.
Autosomal recessive limb-girdle muscular dystrophy type 2J (LGMDR10). Also called: Limb-girdle muscular dystrophy, type 2J; MUSCULAR DYSTROPHY, LIMB-GIRDLE, AUTOSOMAL RECESSIVE 10. Identifiers: Orphanet 140922, MedGen C1837342, MONDO:0012127, OMIM 608807.
Cardiovascular phenotype. Identifiers: MedGen CN230736.

Allele frequency attached by ClinVar (database versions not stated): TOPMed 0.00001.
gnomAD v4.1: 5 of 1,573,498 alleles (0.00032%); highest among the groups gnomAD compares: Non-Finnish European, 0.00043%; no homozygotes.

Submissions (4):

Labcorp Genetics (formerly Invitae), Labcorp
Classification: Uncertain significance for Dilated cardiomyopathy 1G; Autosomal recessive limb-girdle muscular dystrophy type 2J. Last evaluated: 2026-01-12. Review status: criteria provided, single submitter. Criteria: Invitae Variant Classification Sherloc (09022015). Collection method: clinical testing. Allele origin: germline.
Comment: This sequence change falls in intron 279 of the TTN gene. It does not directly change the encoded amino acid sequence of the TTN protein. It affects a nucleotide within the consensus splice site. This variant is not present in population databases (gnomAD no frequency). This variant has not been reported in the literature in individuals affected with TTN-related conditions. ClinVar contains an entry for this variant (Variation ID: 431882). Variants that disrupt the consensus splice site are a relatively common cause of aberrant splicing (PMID: 17576681, 9536098). Algorithms developed to predict the effect of sequence changes on RNA splicing suggest that this variant may disrupt the consensus splice site. This variant is located in the A band of TTN (PMID: 25589632). Variants in this region may be relevant for cardiac or neuromuscular disorders (PMID: 25589632, 23975875). In summary, the available evidence is currently insufficient to determine the role of this variant in disease. Therefore, it has been classified as a Variant of Uncertain Significance.

Genomic Medicine Lab, University of California San Francisco
Classification: Uncertain significance for Dilated cardiomyopathy 1G. Last evaluated: 2023-04-20. Review status: criteria provided, single submitter. Criteria: ACMG Guidelines, 2015. Collection method: clinical testing. Allele origin: unknown. Affected: no.

Ambry Genetics
Classification: Uncertain significance for Cardiovascular phenotype. Last evaluated: 2020-09-02. Review status: criteria provided, single submitter. Criteria: Ambry Variant Classification Scheme 2023. Collection method: clinical testing. Allele origin: germline.
Comment: The c.26686+5G>T intronic variant results from a G to T substitution 5 nucleotides after coding exon 106 in the TTN gene. This nucleotide position is well conserved in available vertebrate species. In silico splice site analysis predicts that this alteration will not have any significant effect on splicing. Since supporting evidence is limited at this time, the clinical significance of this alteration remains unclear.

GeneDx
Classification: Likely pathogenic. Last evaluated: 2015-07-20. Review status: criteria provided, single submitter. Criteria: GeneDx Variant Classification (06012015). Collection method: clinical testing. Allele origin: germline. Affected: yes.
Comment: Although the c.48958+5 G>T variant has not been reported as a disease-causing variant or as a benign polymorphism to our knowledge, this variant destroys the canonical splice donor site in intron 229 and is predicted to cause abnormal gene splicing. However, in the absence of functional studies, the pathogenicity of this variant cannot be determined. Other truncating TTN variants have been reported in approximately 3% of control alleles (Herman et al., 2012). However, c.48958+5 G>T is located in the A-band region of titin, where the majority of truncating variant associated with DCM have been reported (Herman et al., 2012). Furthermore, the c.48958+5 G>T variant was not observed in approximately 6,000 individuals of European and African American ancestry in the NHLBI Exome Sequencing Project, indicating it is not a common benign variant in these populations.Therefore, this variant is a strong candidate for a pathogenic variant, however the possibility that it is a benign variant cannot be excluded

Literature cited by the submitters: PubMed 17576681 (cited by Labcorp Genetics (formerly Invitae), Labcorp); PubMed 9536098 (cited by Labcorp Genetics (formerly Invitae), Labcorp); PubMed 25589632 (cited by Labcorp Genetics (formerly Invitae), Labcorp); PubMed 23975875 (cited by Labcorp Genetics (formerly Invitae), Labcorp).